The following is an entry in ClinVar:

NM_001127464.1:c.6074A>G

Gene: ZNF469 (zinc finger protein 469; plus strand).
Variant type: single nucleotide variant.
Identifiers: ClinVar variation 4845030 (VCV004845030.1).

ClinVar aggregate classification (germline): Uncertain significance (1 of 4 stars; one submission).

Conditions:
Cardiovascular phenotype. Identifiers: MedGen CN230736.

Submission:

Ambry Genetics
Classification: Uncertain significance for Cardiovascular phenotype. Last evaluated: 2026-02-19. Review status: criteria provided, single submitter. Criteria: Ambry Variant Classification Scheme 2023. Collection method: clinical testing. Allele origin: germline.
Comment: The p.E2025G variant (also known as c.6074A>G), located in coding exon 2 of the ZNF469 gene, results from an A to G substitution at nucleotide position 6074. The glutamic acid at codon 2025 is replaced by glycine, an amino acid with similar properties. This amino acid position is conserved. In addition, this alteration is predicted to be tolerated by in silico analysis. Based on the available evidence, the clinical significance of this variant remains unclear.